The following is an entry in ClinVar:

NM_000384.3(APOB):c.8110G>C (p.Ala2704Pro)

Gene: APOB (apolipoprotein B; minus strand). Cytogenetic location: 2p24.1.
Variant type: single nucleotide variant.
Coding change: c.8110G>C on transcript NM_000384.3 (MANE Select); coding-DNA position 8110, G replaced by C.
Protein change: p.Ala2704Pro; replaces alanine 2704 with proline.
Molecular consequence: missense variant.
Genome position (GRCh38, 1-based): chr2:21,008,758, C>G on the plus strand (G>C on the coding strand, the complement: APOB is on the minus strand). VCF-style: chr2-21008758-C-G. GRCh37 (hg19) VCF-style: chr2-21231630-C-G.
Other names: short protein forms A2704P.
Identifiers: ClinVar variation 4613705 (VCV004613705.2).

ClinVar aggregate classification (germline): Uncertain significance (1 of 4 stars; one submission).

Conditions:
Cardiovascular phenotype. Identifiers: MedGen CN230736.

Submission:

Ambry Genetics
Classification: Uncertain significance for Cardiovascular phenotype. Last evaluated: 2026-09-11. Review status: criteria provided, single submitter. Criteria: Ambry Variant Classification Scheme 2023. Collection method: clinical testing. Allele origin: germline.
Comment: The p.A2704P variant (also known as c.8110G>C), located in coding exon 26 of the APOB gene, results from a G to C substitution at nucleotide position 8110. The alanine at codon 2704 is replaced by proline, an amino acid with highly similar properties. This amino acid position is conserved. In addition, this alteration is predicted to be tolerated by in silico analysis. Based on the available evidence, the clinical significance of this variant remains unclear.